The following is an entry in ClinVar:

ClinVar aggregate classification (germline): Uncertain significance (1 of 4 stars; one submission).

Submission:

Labcorp Genetics (formerly Invitae), Labcorp
Classification: Uncertain significance. Last evaluated: 2024-03-08. Review status: criteria provided, single submitter. Criteria: Invitae Variant Classification Sherloc (09022015). Collection method: clinical testing. Allele origin: germline.
Comment: This sequence change replaces valine, which is neutral and non-polar, with isoleucine, which is neutral and non-polar, at codon 581 of the LBR protein (p.Val581Ile). This variant is not present in population databases (gnomAD no frequency). This variant has not been reported in the literature in individuals affected with LBR-related conditions. Advanced modeling of protein sequence and biophysical properties (such as structural, functional, and spatial information, amino acid conservation, physicochemical variation, residue mobility, and thermodynamic stability) performed at Invitae indicates that this missense variant is not expected to disrupt LBR protein function with a negative predictive value of 80%. In summary, the available evidence is currently insufficient to determine the role of this variant in disease. Therefore, it has been classified as a Variant of Uncertain Significance.

NM_002296.4(LBR):c.1741G>A (p.Val581Ile)

Gene: LBR (lamin B receptor; minus strand). Cytogenetic location: 1q42.12.
Variant type: single nucleotide variant.
Coding change: c.1741G>A on transcript NM_002296.4 (MANE Select); coding-DNA position 1741, G replaced by A.
Protein change: p.Val581Ile; replaces valine 581 with isoleucine.
Molecular consequence: missense variant.
Genome position (GRCh38, 1-based): chr1:225,403,410, C>T on the plus strand (G>A on the coding strand, the complement: LBR is on the minus strand). VCF-style: chr1-225403410-C-T. GRCh37 (hg19) VCF-style: chr1-225591112-C-T.
Other names: c.1741G>A, p.Val581Ile (NM_194442.3); short protein forms V581I.
Identifiers: ClinVar variation 3696471 (VCV003696471.2).